The following is an entry in ClinVar:

ClinVar aggregate classification (germline): Uncertain significance (1 of 4 stars; one submission).

Conditions:
Myopathy, proximal, and ophthalmoplegia (CMYO6). Also called: CONGENITAL MYOPATHY 6 WITH OPHTHALMOPLEGIA; INCLUSION BODY MYOPATHY 3, AUTOSOMAL DOMINANT; MYOPATHY WITH CONGENITAL JOINT CONTRACTURES, OPHTHALMOPLEGIA, AND RIMMED VACUOLES. Identifiers: Orphanet 363677, Orphanet 79091, MedGen C1854106, MONDO:0011577, OMIM 605637.

Submission:

Labcorp Genetics (formerly Invitae), Labcorp
Classification: Uncertain significance for Myopathy, proximal, and ophthalmoplegia. Last evaluated: 2021-11-15. Review status: criteria provided, single submitter. Criteria: Invitae Variant Classification Sherloc (09022015). Collection method: clinical testing. Allele origin: germline.
Comment: In summary, the available evidence is currently insufficient to determine the role of this variant in disease. Therefore, it has been classified as a Variant of Uncertain Significance. Variants that disrupt the consensus splice site are a relatively common cause of aberrant splicing (PMID: 17576681, 9536098). Algorithms developed to predict the effect of sequence changes on RNA splicing suggest that this variant may disrupt the consensus splice site. This variant has not been reported in the literature in individuals affected with MYH2-related conditions. This variant is not present in population databases (gnomAD no frequency). This sequence change falls in intron 39 of the MYH2 gene. It does not directly change the encoded amino acid sequence of the MYH2 protein. It affects a nucleotide within the consensus splice site.

Literature cited by the submitters: PubMed 17576681; PubMed 9536098.

NM_017534.6(MYH2):c.5673+3A>C

Genes: MYH2 (myosin heavy chain 2; minus strand), MYHAS (myosin heavy chain gene cluster antisense RNA; plus strand). Cytogenetic location: 17p13.1.
Variant type: single nucleotide variant.
Coding change: c.5673+3A>C on transcript NM_017534.6 (MANE Select); 3 bases into the intron after coding-DNA position 5673, A replaced by C.
Molecular consequence: intron variant.
Genome position (GRCh38, 1-based): chr17:10,523,087, T>G on the plus strand (A>C on the coding strand, the complement: MYH2 is on the minus strand). VCF-style: chr17-10523087-T-G. GRCh37 (hg19) VCF-style: chr17-10426404-T-G.
Other names: c.5673+3A>C (NM_001100112.2).
Identifiers: ClinVar variation 1393581 (VCV001393581.6), dbSNP rs2142289859, ClinGen allele CA2573152938.